The following is an entry in ClinVar:

ClinVar aggregate classification (germline): Uncertain significance. Review status: criteria provided, multiple submitters, no conflicts (2 of 4 stars). 2 submissions from 2 submitters: Uncertain significance (2). Last evaluated 2025-02-02.

Conditions:
Hereditary pancreatitis (PCTT). Also called: PRSS1-Related Hereditary Pancreatitis; Hereditary chronic pancreatitis. Identifiers: Orphanet 676, MedGen C0238339, MONDO:0008185, OMIM 167800.

Allele frequency attached by ClinVar (database versions not stated): gnomAD exomes below 0.00001; TOPMed 0.00001.
gnomAD v4.1: 2 of 1,614,170 alleles (0.00012%); highest among the groups gnomAD compares: East Asian, 0.0022%; no homozygotes.

Submissions (2):

Ambry Genetics
Classification: Uncertain significance for Hereditary pancreatitis. Last evaluated: 2025-02-02. Review status: criteria provided, single submitter. Criteria: Ambry Variant Classification Scheme 2023. Collection method: clinical testing. Allele origin: germline.
Comment: The p.E100K variant (also known as c.298G>A), located in coding exon 3 of the CPA1 gene, results from a G to A substitution at nucleotide position 298. The glutamic acid at codon 100 is replaced by lysine, an amino acid with similar properties. This alteration was not identified in 1112 individuals diagnosed with pancreatitis however was seen in 1/1580 controls (Wu H et al. Hum Mutat, 2017 Aug;38:959-963). This amino acid position is highly conserved in available vertebrate species. In addition, this alteration is predicted to be tolerated by in silico analysis. Since supporting evidence is limited at this time, the clinical significance of this alteration remains unclear.

Labcorp Genetics (formerly Invitae), Labcorp
Classification: Uncertain significance. Last evaluated: 2020-12-28. Review status: criteria provided, single submitter. Criteria: Invitae Variant Classification Sherloc (09022015). Collection method: clinical testing. Allele origin: germline.
Comment: This sequence change replaces glutamic acid with lysine at codon 100 of the CPA1 protein (p.Glu100Lys). The glutamic acid residue is highly conserved and there is a small physicochemical difference between glutamic acid and lysine. This variant is not present in population databases (ExAC no frequency). In summary, the available evidence is currently insufficient to determine the role of this variant in disease. Therefore, it has been classified as a Variant of Uncertain Significance. Algorithms developed to predict the effect of missense changes on protein structure and function are either unavailable or do not agree on the potential impact of this missense change (SIFT: "Tolerated"; PolyPhen-2: "Probably Damaging"; Align-GVGD: "Class C0"). This variant has not been reported in the literature in individuals with CPA1-related conditions.

Literature cited by the submitters: PubMed 28497564 (cited by Ambry Genetics).

NM_001868.4(CPA1):c.298G>A (p.Glu100Lys)

Gene: CPA1 (carboxypeptidase A1; plus strand). Cytogenetic location: 7q32.2.
Variant type: single nucleotide variant.
Coding change: c.298G>A on transcript NM_001868.4 (MANE Select); coding-DNA position 298, G replaced by A.
Protein change: p.Glu100Lys; replaces glutamic acid 100 with lysine.
Molecular consequence: missense variant.
Genome position (GRCh38, 1-based): chr7:130,381,780, G>A. VCF-style: chr7-130381780-G-A. GRCh37 (hg19) VCF-style: chr7-130021621-G-A.
Other names: c.298G>A (NM_001868.2); short protein forms E100K.
Identifiers: ClinVar variation 1431544 (VCV001431544.10), dbSNP rs900864227, ClinGen allele CA166885445.